The following is an entry in ClinVar:

ClinVar aggregate classification (germline): Likely pathogenic (1 of 4 stars; one submission).

Conditions:
Ichthyosis vulgaris. Also called: ICHTHYOSIS SIMPLEX; Dominant ichthyosis vulgaris. Identifiers: MedGen C0079584, MONDO:0024304, OMIM 146700.
Dermatitis, atopic, 2. Identifiers: MedGen C1853965, MONDO:0011596, OMIM 605803.

gnomAD v4.1: 6 of 1,614,064 alleles (0.00037%); highest among the groups gnomAD compares: Admixed American, 0.0017%; no homozygotes.

Submission:

Juno Genomics, Hangzhou Juno Genomics, Inc
Classification: Likely pathogenic for Dermatitis, atopic, 2; Ichthyosis vulgaris. Review status: criteria provided, single submitter. Criteria: ACMG Guidelines, 2015. Collection method: clinical testing. Allele origin: germline. Affected: yes.
Comment: Absent from controls (or at extremely low frequency if recessive) in Genome Aggregation Database, Exome Sequencing Project, 1000 Genomes Project, or Exome Aggregation Consortium.;Null variant in a gene where loss of function (LOF) is a known mechanism of disease.;For recessive disorders, detected in trans with a pathogenic variant.;Patient's phenotype or family history is highly specific for a disease with a single genetic etiology.

NM_002016.2(FLG):c.11203C>T (p.Gln3735Ter)

Genes: CCDST (cervical cancer associated DHX9 suppressive transcript; plus strand), FLG (filaggrin; minus strand). Cytogenetic location: 1q21.3.
Variant type: single nucleotide variant.
Coding change: c.11203C>T on transcript NM_002016.2 (MANE Select); coding-DNA position 11203, C replaced by T.
Protein change: p.Gln3735Ter; replaces glutamine 3735 with a stop codon.
Molecular consequence: nonsense.
Genome position (GRCh38, 1-based): chr1:152,303,683, G>A on the plus strand (C>T on the coding strand, the complement: FLG is on the minus strand). VCF-style: chr1-152303683-G-A. GRCh37 (hg19) VCF-style: chr1-152276159-G-A.
Other names: short protein forms Q3735*.
Identifiers: ClinVar variation 3392505 (VCV003392505.2).